The following is an entry in ClinVar:

ClinVar aggregate classification (germline): Uncertain significance (1 of 4 stars; one submission).

Conditions:
Monogenic diabetes. Identifiers: Orphanet 183625, MedGen C3888631, MONDO:0015967.

Allele frequency attached by ClinVar (database versions not stated): TOPMed 0.00001.
gnomAD v4.1: 9 of 1,613,440 alleles (0.00056%); highest among the groups gnomAD compares: Non-Finnish European, 0.00076%; no homozygotes.

Submission:

Personalized Diabetes Medicine Program, University of Maryland School of Medicine
Classification: Uncertain significance for Monogenic diabetes. Last evaluated: 2017-07-27. Review status: criteria provided, single submitter. Criteria: ACMG Guidelines, 2015. Collection method: research. Allele origin: unknown. Observed: 1 variant allele, 1 heterozygote. Study: Personalized Diabetes Medicine Program.
Comment: ACMG Criteria:PP3 (2 predictors), BP4 (9 predictors)

NM_002711.4(PPP1R3A):c.1824C>A (p.Ser608Arg)

Gene: PPP1R3A (protein phosphatase 1 regulatory subunit 3A; minus strand). Cytogenetic location: 7q31.1.
Variant type: single nucleotide variant.
Coding change: c.1824C>A on transcript NM_002711.4 (MANE Select); coding-DNA position 1824, C replaced by A.
Protein change: p.Ser608Arg; replaces serine 608 with arginine.
Molecular consequence: missense variant.
Genome position (GRCh38, 1-based): chr7:113,879,268, G>T on the plus strand (C>A on the coding strand, the complement: PPP1R3A is on the minus strand). VCF-style: chr7-113879268-G-T. GRCh37 (hg19) VCF-style: chr7-113519323-G-T.
Other names: short protein forms S608R.
Identifiers: ClinVar variation 549520 (VCV000549520.3), dbSNP rs767098711, ClinGen allele CA4445190.